The following is an entry in ClinVar:

NM_000135.4(FANCA):c.1734_1739del (p.Tyr578_Val580delinsTer)

Gene: FANCA (FA complementation group A; minus strand). Cytogenetic location: 16q24.3.
Variant type: Deletion.
Coding change: c.1734_1739del on transcript NM_000135.4 (MANE Select); coding-DNA positions 1734 to 1739, 6 bases deleted (CTACGT; older notation c.1734_1739delCTACGT).
Protein change: p.Tyr578_Val580delinsTer.
Molecular consequence: nonsense.
Genome position (GRCh38, 1-based): chr16:89,778,980-89,778,985, ACGTAG deleted on the plus strand (CTACGT on the coding strand, the reverse complement: FANCA is on the minus strand). VCF-style (leftmost placement, unchanged base first): chr16-89778979-CACGTAG-C. GRCh37 (hg19) VCF-style: chr16-89845387-CACGTAG-C.
Other names: c.1734_1739del (LRG_495t1, NM_000135.2, NM_000135.3); c.1734_1739delCTACGT (NM_000135.3); c.1734_1739del, p.Tyr578_Val580delinsTer (NM_001286167.3).
Identifiers: ClinVar variation 554168 (VCV000554168.14), dbSNP rs757504102, ClinGen allele CA8252122.
Genomic context (GRCh38, chr16:89,778,979, plus strand): 5'-AAACTCATGGAGACGCATACTGACCACTCGAGGTGTGAGCAGGGCGGGGAGGAAGTGGGA[CACGTAG>C]TAAGGCCTCCTGAATATGCTGCAACACAGAGAAGCAGACAGTGCATCAGTCAGAGCAGCG-3'

ClinVar aggregate classification (germline): Pathogenic/Likely pathogenic. Review status: criteria provided, multiple submitters, no conflicts (2 of 4 stars). 8 submissions from 8 submitters: Pathogenic (6); Likely pathogenic (1). 1 of the submissions does not count toward it. Last evaluated 2025-05-27.

Conditions:
Fanconi anemia (FA). Also called: Fanconi's anemia. Identifiers: Orphanet 84, MedGen C0015625, MeSH D005199, MONDO:0019391.
Fanconi anemia complementation group A (FANCA). Also called: FANCA-Related Fanconi Anemia; Fanconi anemia, group A. Identifiers: Orphanet 84, MedGen C3469521, MONDO:0009215, OMIM 227650.

Allele frequency attached by ClinVar (database versions not stated): TOPMed below 0.00001; ExAC 0.00001; gnomAD exomes 0.00001; ESP Exome Variant Server 0.00008.

Submissions (8):

Labcorp Genetics (formerly Invitae), Labcorp
Classification: Pathogenic for Fanconi anemia. Last evaluated: 2025-05-27. Review status: criteria provided, single submitter. Criteria: Invitae Variant Classification Sherloc (09022015). Collection method: clinical testing. Allele origin: germline.
Comment: This sequence change creates a premature translational stop signal (p.Tyr578*) in the FANCA gene. It is expected to result in an absent or disrupted protein product. Loss-of-function variants in FANCA are known to be pathogenic (PMID: 19367192). This variant is present in population databases (rs757504102, gnomAD 0.0009%). This premature translational stop signal has been observed in individual(s) with Fanconi anemia (PMID: 29098742). ClinVar contains an entry for this variant (Variation ID: 554168). Algorithms developed to predict the effect of sequence changes on RNA splicing suggest that this variant may disrupt the consensus splice site. For these reasons, this variant has been classified as Pathogenic.

Natera, Inc.
Classification: Pathogenic for Fanconi anemia. Last evaluated: 2024-07-24. Review status: criteria provided, single submitter. Criteria: Natera Variant Classification Schema (03/2026). Collection method: clinical testing. Allele origin: germline.
Comment: The c.1734_1739delCTACGT variant in FANCA is an in-frame deletion. This variant is expected to result in nonsense mediated decay, truncation, or a dysfunctional protein product. This variant is rare in the general population with a frequency below the threshold expected for the associated phenotype(s). This variant has been observed in one or more individuals affected with the associated recessive disease, as either homozygous or compound heterozygous with a second variant (PMID: 29098742). Given the available evidence, this variant is classified as Pathogenic.

Quest Diagnostics Nichols Institute San Juan Capistrano
Classification: Pathogenic. Last evaluated: 2024-06-06. Review status: criteria provided, single submitter. Criteria: Quest Diagnostics criteria. Collection method: clinical testing. Allele origin: unknown.
Comment: The FANCA c.1734_1739del (p.Tyr578*) variant causes the premature termination of FANCA protein synthesis. This variant has been reported in the published literature to occur with a large deletion in FANCA, in a family affected with Fanconi anemia (PMID: 29098742 (2018)). The frequency of this variant in the general population, 0.000008 (2/251378 chromosomes (Genome Aggregation Database)), is consistent with pathogenicity. Based on the available information, this variant is classified as pathogenic.

Fulgent Genetics
Classification: Pathogenic for Fanconi anemia complementation group A. Last evaluated: 2024-04-09. Review status: criteria provided, single submitter. Criteria: ACMG Guidelines, 2015. Collection method: clinical testing. Allele origin: germline.

Baylor Genetics
Classification: Pathogenic for Fanconi anemia complementation group A. Last evaluated: 2023-11-02. Review status: criteria provided, single submitter. Criteria: ACMG Guidelines, 2015. Collection method: clinical testing. Allele origin: unknown.

GeneDx
Classification: Likely pathogenic. Last evaluated: 2022-05-25. Review status: criteria provided, single submitter. Criteria: GeneDx Variant Classification Process June 2021. Collection method: clinical testing. Allele origin: germline. Affected: yes.
Comment: Identified in two unrelated individuals with Fanconi anemia with a second variant, however, phase of both sets of variants is unknown (Kimble et al., 2018); Nonsense variant predicted to result in protein truncation or nonsense mediated decay in a gene for which loss-of-function is a known mechanism of disease; Not observed at significant frequency in large population cohorts (gnomAD); This variant is associated with the following publications: (PMID: 29098742)

Johns Hopkins Genomics, Johns Hopkins University
Classification: Pathogenic for Fanconi anemia complementation group A. Last evaluated: 2021-06-21. Review status: criteria provided, single submitter. Criteria: ACMG Guidelines, 2015. Collection method: clinical testing. Allele origin: germline.
Comment: FANCA c.1734_1739del (rs1400163791) is rare (<0.1%) in a large population dataset (gnomAD: 2/251378 total alleles; 0.0008%; no homozygotes) and has been reported in ClinVar(Variation ID: 554168). It has not been reported in the literature to our knowledge. This multi-nucleotide deletion results in a premature stop codon in exon 19 likely leading to nonsense-mediated decay and lack of protein production. We consider FANCA c.1734_1739del to be pathogenic.

Counsyl
Classification: Likely pathogenic for Fanconi anemia complementation group A. Last evaluated: 2017-09-28. Review status: no assertion criteria provided. Collection method: clinical testing. Allele origin: unknown. Not counted in ClinVar's aggregate classification.

Literature cited by the submitters: PubMed 19367192 (cited by Labcorp Genetics (formerly Invitae), Labcorp); PubMed 29098742 (cited by 3 submitters).